The following is an entry in ClinVar:

NM_006580.4(CLDN16):c.158del (p.Asn53fs)

Gene: CLDN16 (claudin 16; plus strand). Cytogenetic location: 3q28.
Variant type: Deletion.
Coding change: c.158del on transcript NM_006580.4 (MANE Select); coding-DNA position 158, one base deleted (A; older notation c.158delA).
Protein change: p.Asn53fs; shifts the reading frame from asparagine 53.
Molecular consequence: frameshift variant.
Genome position (GRCh38, 1-based): chr3:190,402,380, A deleted; the last of 3 consecutive A bases (chr3:190,402,378-190,402,380); deleting any one gives the same sequence. VCF-style (leftmost placement, unchanged base first): chr3-190402377-CA-C. GRCh37 (hg19) VCF-style: chr3-190120166-CA-C.
Other names: c.158del, p.Asn53fs (NM_001378492.1, NM_001378493.1); c.158delA (NM_006580.4); short protein forms N53fs.
Identifiers: ClinVar variation 4526301 (VCV004526301.1).

ClinVar aggregate classification (germline): Likely pathogenic (1 of 4 stars; one submission).

Conditions:
Primary hypomagnesemia (HOMG3). Also called: HYPOMAGNESEMIA 3, RENAL; HYPOMAGNESEMIA, FAMILIAL, WITH HYPERCALCIURIA AND NEPHROCALCINOSIS; HYPOMAGNESEMIA, ISOLATED RENAL; HYPOMAGNESEMIA, PRIMARY, DUE TO DEFECT IN RENAL TUBULAR TRANSPORT OF MAGNESIUM. Identifiers: Orphanet 31043, MedGen C0268448, MONDO:0009550, OMIM 248250.

Submission:

Department of Pediatric Nephrology, Wuhan Children's Hospital
Classification: Likely pathogenic for Primary hypomagnesemia. Last evaluated: 2020-12-24. Review status: criteria provided, single submitter. Criteria: ACMG Guidelines, 2015. Collection method: clinical testing. Allele origin: germline. Inheritance: Autosomal recessive inheritance. Affected: yes. Observed: 1 compound heterozygote.
Comment: The other mutation is c.130C>T. Specially, the c.158delA variant, located in the functionally critical second extracellular loop, results in a frameshift deletion starting at amino acid 53 (p.N53Mfs*21) and truncates the mature protein, potentially impairing the protein’s ability to mediate paracellular magnesium transport in the kidney.

Literature cited by the submitters: PubMed 31479589; PubMed 11518780.